The following is an entry in ClinVar:

ClinVar aggregate classification (germline): Likely benign (1 of 4 stars; one submission).

Allele frequency attached by ClinVar (database versions not stated): 1000 Genomes Project 30x 0.00859; 1000 Genomes Project 0.00879; TOPMed 0.02080; gnomAD 0.02124 and 0.02218.
gnomAD v4.1: 3,246 of 152,196 alleles (2.1%); highest among the groups gnomAD compares: Non-Finnish European, 3.2%; 47 homozygotes.

Submission:

GeneDx
Classification: Likely benign. Last evaluated: 2018-06-19. Review status: criteria provided, single submitter. Criteria: GeneDx Variant Classification (06012015). Collection method: clinical testing. Allele origin: germline. Affected: yes.
Comment: This variant is considered likely benign or benign based on one or more of the following criteria: it is a conservative change, it occurs at a poorly conserved position in the protein, it is predicted to be benign by multiple in silico algorithms, and/or has population frequency not consistent with disease.

NM_017837.4(PIGV):c.1200+205G>A

Gene: PIGV (phosphatidylinositol glycan anchor biosynthesis class V; plus strand). Cytogenetic location: 1p36.11.
Variant type: single nucleotide variant.
Coding change: c.1200+205G>A on transcript NM_017837.4 (MANE Select); 205 bases into the intron after coding-DNA position 1200, G replaced by A.
Molecular consequence: intron variant.
Genome position (GRCh38, 1-based): chr1:26,795,439, G>A. VCF-style: chr1-26795439-G-A. GRCh37 (hg19) VCF-style: chr1-27121930-G-A.
Other names: c.1200+205G>A (NM_001374478.1, NM_001374480.1, NM_001374481.1 and 2 more transcripts); c.573+205G>A (NM_001374484.1, NM_001374485.1); c.819+205G>A (NM_001374483.1); c.79-2124G>A (NM_001374486.1).
Identifiers: ClinVar variation 677431 (VCV000677431.1), dbSNP rs146091102, ClinGen allele CA19834946.